The following is an entry in ClinVar:

NM_020975.6(RET):c.2479C>T (p.Leu827=)

Gene: RET (ret proto-oncogene; plus strand). Cytogenetic location: 10q11.21.
Variant type: single nucleotide variant.
Coding change: c.2479C>T on transcript NM_020975.6 (MANE Select); coding-DNA position 2479, C replaced by T.
Protein change: p.Leu827=; no amino-acid change (leucine 827 retained).
Molecular consequence: synonymous variant.
Genome position (GRCh38, 1-based): chr10:43,119,617, C>T. VCF-style: chr10-43119617-C-T. GRCh37 (hg19) VCF-style: chr10-43615065-C-T.
Other names: c.2479C>T, p.Leu827= (NM_000323.2, NM_001406743.1, NM_001406744.1 and 4 more transcripts); c.1717C>T, p.Leu573= (NM_001355216.2); c.2350C>T, p.Leu784= (NM_001406761.1, NM_001406762.1, NM_001406764.1); c.2344C>T, p.Leu782= (NM_001406763.1, NM_001406765.1); c.2191C>T, p.Leu731= (NM_001406766.1, NM_001406767.1, NM_001406770.1); c.2215C>T, p.Leu739= (NM_001406768.1); c.2083C>T, p.Leu695= (NM_001406769.1, NM_001406772.1); c.2041C>T, p.Leu681= (NM_001406771.1, NM_001406773.1); and 10 more.
Identifiers: ClinVar variation 480782 (VCV000480782.16), dbSNP rs1247476725, ClinGen allele CA469479920.

ClinVar aggregate classification (germline): Benign/Likely benign. Review status: criteria provided, multiple submitters, no conflicts (2 of 4 stars). 3 submissions from 3 submitters: Benign (1); Likely benign (2). Last evaluated 2025-02-27.

Conditions:
Multiple endocrine neoplasia type 2A. Also called: MULTIPLE ENDOCRINE NEOPLASIA, TYPE IIA; PTC SYNDROME; SIPPLE SYNDROME; MEN 2A; MEN-2A syndrome; Pheochromocytoma and amyloid producing medullary thyroid carcinoma. Identifiers: Orphanet 247698, Orphanet 653, MedGen C0025268, MeSH D018813, MONDO:0008234, OMIM 171400.
Multiple endocrine neoplasia, type 2 (MEN2). Identifiers: Orphanet 653, MedGen C4048306, MONDO:0019003. Disease mechanism: gain of function.
Hereditary cancer-predisposing syndrome. Also called: Hereditary Cancer Syndrome; Neoplastic Syndromes, Hereditary; Tumor predisposition; Hereditary neoplastic syndrome. Identifiers: Orphanet 140162, MedGen C0027672, MeSH D009386, MONDO:0015356.

Allele frequency attached by ClinVar (database versions not stated): gnomAD exomes below 0.00001.

Submissions (3):

Myriad Genetics, Inc.
Classification: Benign for Multiple endocrine neoplasia type 2A. Last evaluated: 2025-02-27. Review status: criteria provided, single submitter. Criteria: Myriad Autosomal Dominant, Autosomal Recessive and X-Linked Classification Criteria (2023). Collection method: clinical testing. Allele origin: unknown.
Comment: This variant is considered benign. This variant is a silent/synonymous amino acid change and it is not expected to impact splicing.

Labcorp Genetics (formerly Invitae), Labcorp
Classification: Likely benign for Multiple endocrine neoplasia, type 2. Last evaluated: 2025-02-18. Review status: criteria provided, single submitter. Criteria: Invitae Variant Classification Sherloc (09022015). Collection method: clinical testing. Allele origin: germline.

Ambry Genetics
Classification: Likely benign for Hereditary cancer-predisposing syndrome. Last evaluated: 2016-06-10. Review status: criteria provided, single submitter. Criteria: Ambry Variant Classification Scheme 2023. Collection method: clinical testing. Allele origin: germline.